The following is an entry in ClinVar:

ClinVar aggregate classification (germline): Likely pathogenic. Review status: criteria provided, multiple submitters, no conflicts (2 of 4 stars). 2 submissions from 2 submitters: Likely pathogenic (2). Last evaluated 2024-03-01.

Conditions:
Prolonged prothrombin time. Also called: Reduced prothrombin activity; Reduced factor II activity; Low factor II activity; increased international normalized ratio. Identifiers: MedGen C0853225, HP:0008151.

Allele frequency attached by ClinVar (database versions not stated): ExAC 0.00001; gnomAD exomes below 0.00001.

Submissions (2):

CeGaT Center for Human Genetics Tuebingen
Classification: Likely pathogenic. Last evaluated: 2024-03-01. Review status: criteria provided, single submitter. Criteria: CeGaT Center For Human Genetics Tuebingen Variant Classification Criteria Version 2. Collection method: clinical testing. Allele origin: germline. Affected: yes. Observed: 1 variant allele.
Comment: F2: PM2, PM5, PM3:Supporting, PS3:Supporting

NIHR Bioresource Rare Diseases, University of Cambridge
Classification: Likely pathogenic. Last evaluated: 2019-02-01. Review status: criteria provided, single submitter. Criteria: ACMG Guidelines, 2015. Collection method: research. Allele origin: unknown. Affected: yes. Observed: 1 compound heterozygote. Study: ThromboGenomics.

Literature cited by the submitters: PubMed 31064749 (cited by NIHR Bioresource Rare Diseases, University of Cambridge).

NM_000506.5(F2):c.941G>A (p.Arg314His)

Gene: F2 (coagulation factor II, thrombin; plus strand). Cytogenetic location: 11p11.2.
Variant type: single nucleotide variant.
Coding change: c.941G>A on transcript NM_000506.5 (MANE Select); coding-DNA position 941, G replaced by A.
Protein change: p.Arg314His; replaces arginine 314 with histidine.
Molecular consequence: missense variant.
Genome position (GRCh38, 1-based): chr11:46,726,564, G>A. VCF-style: chr11-46726564-G-A. GRCh37 (hg19) VCF-style: chr11-46748114-G-A.
Other names: short protein forms R314H.
Identifiers: ClinVar variation 627408 (VCV000627408.22), dbSNP rs754231232, ClinGen allele CA5967110.
Genomic context (GRCh38, chr11:46,726,564, plus strand): 5'-CCGTGGAGGAGGAGACAGGAGATGGGCTGGATGAGGACTCAGACAGGGCCATCGAAGGGC[G>A]TACCGCCACCAGTGAGTACCAGACTTTCTTCAATCCGAGGACCTTTGGCTCGGGAGAGGC-3'
Protein context (NP_000497.1, residues 304-324): DEDSDRAIEG[Arg314His]TATSEYQTFF